The following is an entry in ClinVar:

ClinVar aggregate classification (germline): Uncertain significance (1 of 4 stars; one submission).

Conditions:
Vitamin B2 deficiency. Identifiers: MedGen C0035528.

Submission:

Labcorp Genetics (formerly Invitae), Labcorp
Classification: Uncertain significance for Vitamin B2 deficiency. Last evaluated: 2022-09-15. Review status: criteria provided, single submitter. Criteria: Invitae Variant Classification Sherloc (09022015). Collection method: clinical testing. Allele origin: germline.
Comment: This sequence change replaces leucine, which is neutral and non-polar, with methionine, which is neutral and non-polar, at codon 95 of the SLC52A1 protein (p.Leu95Met). This variant is not present in population databases (gnomAD no frequency). This variant has not been reported in the literature in individuals affected with SLC52A1-related conditions. Advanced modeling of protein sequence and biophysical properties (such as structural, functional, and spatial information, amino acid conservation, physicochemical variation, residue mobility, and thermodynamic stability) performed at Invitae indicates that this missense variant is not expected to disrupt SLC52A1 protein function. In summary, the available evidence is currently insufficient to determine the role of this variant in disease. Therefore, it has been classified as a Variant of Uncertain Significance.

NM_017986.4(SLC52A1):c.283C>A (p.Leu95Met)

Gene: SLC52A1 (solute carrier family 52 member 1; minus strand). Cytogenetic location: 17p13.2.
Variant type: single nucleotide variant.
Coding change: c.283C>A on transcript NM_017986.4 (MANE Select); coding-DNA position 283, C replaced by A.
Protein change: p.Leu95Met; replaces leucine 95 with methionine.
Molecular consequence: missense variant.
Genome position (GRCh38, 1-based): chr17:5,034,206, G>T on the plus strand (C>A on the coding strand, the complement: SLC52A1 is on the minus strand). VCF-style: chr17-5034206-G-T. GRCh37 (hg19) VCF-style: chr17-4937501-G-T.
Other names: c.283C>A, p.Leu95Met (NM_001104577.2); short protein forms L95M.
Identifiers: ClinVar variation 2177786 (VCV002177786.4), dbSNP rs1239915320, ClinGen allele CA397332128.